The following is an entry in ClinVar:

NM_145207.3(AFG2A):c.391G>T (p.Val131Phe)

Gene: AFG2A (AAA ATPase AFG2A; plus strand). Cytogenetic location: 4q28.1.
Variant type: single nucleotide variant.
Coding change: c.391G>T on transcript NM_145207.3 (MANE Select); coding-DNA position 391, G replaced by T.
Protein change: p.Val131Phe; replaces valine 131 with phenylalanine.
Molecular consequence: missense variant.
Genome position (GRCh38, 1-based): chr4:122,929,142, G>T. VCF-style: chr4-122929142-G-T. GRCh37 (hg19) VCF-style: chr4-123850297-G-T.
Other names: c.388G>T, p.Val130Phe (NM_001317799.2, NM_001345856.2); short protein forms V130F, V131F.
Identifiers: ClinVar variation 3342152 (VCV003342152.16).

ClinVar aggregate classification (germline): Uncertain significance (1 of 4 stars; one submission).

Submission:

CeGaT Center for Human Genetics Tuebingen
Classification: Uncertain significance. Last evaluated: 2024-08-01. Review status: criteria provided, single submitter. Criteria: CeGaT Center For Human Genetics Tuebingen Variant Classification Criteria Version 2. Collection method: clinical testing. Allele origin: germline. Affected: yes. Observed: 1 variant allele.
Comment: AFG2A: PM2, PM3